The following is an entry in ClinVar:

ClinVar aggregate classification (germline): Uncertain significance. Review status: criteria provided, multiple submitters, no conflicts (2 of 4 stars). 3 submissions from 3 submitters: Uncertain significance (3). Last evaluated 2024-06-14.

Conditions:
Jeune thoracic dystrophy. Also called: Jeune syndrome; Infantile thoracic dystrophy; Thoracic pelvic phalangeal dystrophy; Jeune's syndrome; Chondroectodermal dysplasia-like syndrome; Short-rib thoracic dysplasia. Identifiers: Orphanet 474, MedGen C0265275, MONDO:0018770.
Asphyxiating thoracic dystrophy 2 (SRTD2). Also called: SHORT-RIB THORACIC DYSPLASIA 2 WITH OR WITHOUT POLYDACTYLY; SHORT-RIB THORACIC DYSPLASIA 2 WITH POLYDACTYLY; SHORT-RIB THORACIC DYSPLASIA 2 WITHOUT POLYDACTYLY. Identifiers: Orphanet 474, MedGen C1970005, MONDO:0012644, OMIM 611263.

Allele frequency attached by ClinVar (database versions not stated): gnomAD exomes 0.00002 and 0.00010; gnomAD 0.00004 and 0.00005; TOPMed 0.00006; ExAC 0.00008.
gnomAD v4.1: 30 of 1,488,974 alleles (0.002%); highest among the groups gnomAD compares: East Asian, 0.066%; no homozygotes.

Submissions (3):

Fulgent Genetics
Classification: Uncertain significance for Asphyxiating thoracic dystrophy 2. Last evaluated: 2024-06-14. Review status: criteria provided, single submitter. Criteria: ACMG Guidelines, 2015. Collection method: clinical testing. Allele origin: germline.

Labcorp Genetics (formerly Invitae), Labcorp
Classification: Uncertain significance for Jeune thoracic dystrophy. Last evaluated: 2022-01-27. Review status: criteria provided, single submitter. Criteria: Invitae Variant Classification Sherloc (09022015). Collection method: clinical testing. Allele origin: germline.
Comment: This sequence change replaces tyrosine, which is neutral and polar, with histidine, which is basic and polar, at codon 212 of the IFT80 protein (p.Tyr212His). This variant is present in population databases (rs756009771, gnomAD 0.2%). This variant has not been reported in the literature in individuals affected with IFT80-related conditions. ClinVar contains an entry for this variant (Variation ID: 343978). Algorithms developed to predict the effect of missense changes on protein structure and function (SIFT, PolyPhen-2, Align-GVGD) all suggest that this variant is likely to be disruptive. In summary, the available evidence is currently insufficient to determine the role of this variant in disease. Therefore, it has been classified as a Variant of Uncertain Significance.

Illumina Laboratory Services, Illumina
Classification: Uncertain significance for Asphyxiating thoracic dystrophy 2. Last evaluated: 2018-01-13. Review status: criteria provided, single submitter. Criteria: ICSL Variant Classification Criteria 13 December 2019. Collection method: clinical testing. Allele origin: germline.

NM_020800.3(IFT80):c.634T>C (p.Tyr212His)

Genes: TRIM59-IFT80 (TRIM59-IFT80 readthrough (NMD candidate); minus strand), IFT80 (intraflagellar transport 80; minus strand). Cytogenetic location: 3q25.33.
Variant type: single nucleotide variant.
Coding change: c.634T>C on transcript NM_020800.3 (MANE Select); coding-DNA position 634, T replaced by C.
Protein change: p.Tyr212His; replaces tyrosine 212 with histidine.
Molecular consequence: missense variant. On other transcripts: non-coding transcript variant (3).
Genome position (GRCh38, 1-based): chr3:160,357,494, A>G on the plus strand (T>C on the coding strand, the complement: IFT80 is on the minus strand). VCF-style: chr3-160357494-A-G. GRCh37 (hg19) VCF-style: chr3-160075282-A-G.
Other names: c.223T>C, p.Tyr75His (NM_001190241.2, NM_001190242.2); short protein forms Y212H, Y75H.
Identifiers: ClinVar variation 343978 (VCV000343978.9), dbSNP rs756009771, ClinGen allele CA2685423.